The following is an entry in ClinVar:

ClinVar aggregate classification (germline): Benign. Review status: reviewed by expert panel (3 of 4 stars). 5 submissions from 5 submitters: Benign (1). 4 of the submissions do not count toward it. Last evaluated 2015-01-12.

Conditions:
Breast-ovarian cancer, familial, susceptibility to, 1 (BROVCA1). Also called: BRCA1 Hereditary Breast and Ovarian Cancer; OVARIAN CANCER, SUSCEPTIBILITY TO. Identifiers: Orphanet 145, MedGen C2676676, MONDO:0011450, OMIM 604370. Disease mechanism: loss of function.
Familial cancer of breast. Also called: Hereditary breast cancer; hereditary breast carcinoma; BREAST CANCER, FAMILIAL. Identifiers: Orphanet 227535, MedGen C0346153, MONDO:0016419, OMIM 114480. Disease mechanism: loss of function.

Allele frequency attached by ClinVar (database versions not stated): TOPMed 0.23413; gnomAD 0.23738 and 0.24688; gnomAD exomes 0.27027; 1000 Genomes Project 30x 0.30091; 1000 Genomes Project 0.30691.
gnomAD v4.1: 364,798 of 1,362,902 alleles (27%); highest among the groups gnomAD compares: South Asian, 46%; 51,570 homozygotes.

Submissions (5):

Evidence-based Network for the Interpretation of Germline Mutant Alleles (ENIGMA)
Classification: Benign for Breast-ovarian cancer, familial 1. Last evaluated: 2015-01-12. Review status: reviewed by expert panel. Criteria: ENIGMA BRCA1/2 Classification Criteria (2015). Collection method: curation. Allele origin: germline.
Comment: Class 1 not pathogenic based on frequency >1% in an outbred sampleset. Frequency 0.3322 (Asian), 0.1402 (African), 0.2744 (European), derived from 1000 genomes (2012-04-30).

GeneDx
Classification: Benign. Last evaluated: 2015-03-03. Review status: criteria provided, single submitter. Criteria: GeneDx Variant Classification Process June 2021. Collection method: clinical testing. Allele origin: germline. Affected: yes. Not counted in ClinVar's aggregate classification.

Breakthrough Genomics
Classification: Benign. Review status: criteria provided, single submitter. Criteria: ACMG Guidelines, 2015. Collection method: not provided. Allele origin: germline. Inheritance: Autosomal recessive inheritance. Affected: yes. Not counted in ClinVar's aggregate classification.

Department of Pathology and Laboratory Medicine, Sinai Health System
Classification: Benign. Review status: no assertion criteria provided. Collection method: clinical testing. Allele origin: unknown. Affected: yes. Observed: 195 variant alleles. Study: The Canadian Open Genetics Repository (COGR). Not counted in ClinVar's aggregate classification.

Genomic Research Center, Shahid Beheshti University of Medical Sciences
No classification provided. Condition: Familial cancer of breast. Review status: no classification provided. Collection method: not provided. Allele origin: somatic. Not counted in ClinVar's aggregate classification.
ClinVar note: Converted during submission from untested to not provided.

NM_007294.4(BRCA1):c.5074+65G>A

Gene: BRCA1 (BRCA1 DNA repair associated; minus strand). Cytogenetic location: 17q21.31.
Variant type: single nucleotide variant.
Coding change: c.5074+65G>A on transcript NM_007294.4 (MANE Select); 65 bases into the intron after coding-DNA position 5074, G replaced by A.
Molecular consequence: intron variant.
Genome position (GRCh38, 1-based): chr17:43,067,543, C>T on the plus strand (G>A on the coding strand, the complement: BRCA1 is on the minus strand). VCF-style: chr17-43067543-C-T. GRCh37 (hg19) VCF-style: chr17-41219560-C-T.
Other names: IVS 17+65G>A; c.1831+65G>A (NM_001407971.1, NM_001407970.1); c.1756+65G>A (NM_001408406.1, NM_001408408.1, NM_001408407.1); c.5068+65G>A (NM_001407641.1, NM_001407629.1, NM_001407636.1 and 14 more transcripts); c.5071+65G>A (NM_001407624.1, NM_001407858.1, NM_001407616.1 and 17 more transcripts); c.5137+65G>A (NM_007300.4, NM_001407583.1, NM_001407587.1 and 1 more transcripts); c.5140+65G>A (NM_001407581.1, NM_001407582.1); c.4567+65G>A (NM_001407965.1); and 72 more.
Identifiers: ClinVar variation 127126 (VCV000127126.9), dbSNP rs8176235, ClinGen allele CA003199.